The following is an entry in ClinVar:

ClinVar aggregate classification (germline): Likely pathogenic (1 of 4 stars; one submission).

Conditions:
Holoprosencephaly 3 (HPE3). Identifiers: Orphanet 2162, MedGen C1840529, MONDO:0007733, OMIM 142945.

Submission:

Laboratory of Molecular Genetics, CHU Rennes
Classification: Likely pathogenic for Holoprosencephaly 3. Last evaluated: 2025-02-27. Review status: criteria provided, single submitter. Criteria: ACMG Guidelines, 2015. Collection method: clinical testing. Allele origin: de novo. Inheritance: Autosomal dominant inheritance. Affected: yes.
Comment: The NM_000193.4:c.316_321del is a deletion of six base-pairs in SHH in the Hedgehog domain (PM1), absent from controls (PM2), predicted pathogenic by prediction tools (PP3) and occurred de novo (PS2). In summary, this variant meets criteria to be classified as likely pathogenic for holoprosencephaly based on the ACMG criteria applied.

NM_000193.4(SHH):c.316_321del (p.Leu106_Asn107del)

Gene: SHH (sonic hedgehog signaling molecule; minus strand). Cytogenetic location: 7q36.3.
Variant type: Deletion.
Coding change: c.316_321del on transcript NM_000193.4 (MANE Select); coding-DNA positions 316 to 321, 6 bases deleted (TTGAAC; older notation c.316_321delTTGAAC).
Protein change: p.Leu106_Asn107del.
Molecular consequence: inframe deletion. On other transcripts: non-coding transcript variant (2).
Genome position (GRCh38, 1-based): chr7:155,806,537-155,806,542, GTTCAA deleted on the plus strand (TTGAAC on the coding strand, the reverse complement: SHH is on the minus strand). VCF-style (leftmost placement, unchanged base first): chr7-155806536-CGTTCAA-C. GRCh37 (hg19) VCF-style: chr7-155599230-CGTTCAA-C.
Other names: c.55_60del, p.Leu19_Asn20del (NM_001310462.2).
Identifiers: ClinVar variation 3775137 (VCV003775137.1).